The following is an entry in ClinVar:

ClinVar aggregate classification (germline): Pathogenic (1 of 4 stars; one submission).

Conditions:
Cohen syndrome (COH1). Also called: PEPPER SYNDROME; Cutis verticis gyrata, retinitis pigmentosa, and sensorineural deafness. Identifiers: Orphanet 193, MedGen C0265223, MONDO:0008999, OMIM 216550.

Submission:

Labcorp Genetics (formerly Invitae), Labcorp
Classification: Pathogenic for Cohen syndrome. Last evaluated: 2021-03-26. Review status: criteria provided, single submitter. Criteria: Invitae Variant Classification Sherloc (09022015). Collection method: clinical testing. Allele origin: germline.
Comment: For these reasons, this variant has been classified as Pathogenic. This variant has not been reported in the literature in individuals with VPS13B-related conditions. This variant is not present in population databases (ExAC no frequency). This sequence change creates a premature translational stop signal (p.Lys1065Thrfs*6) in the VPS13B gene. It is expected to result in an absent or disrupted protein product. Loss-of-function variants in VPS13B are known to be pathogenic (PMID: 15141358, 16648375, 20461111).

Literature cited by the submitters: PubMed 15141358; PubMed 16648375; PubMed 20461111.

NM_152564.5(VPS13B):c.3194_3198del (p.Lys1065fs)

Gene: VPS13B (vacuolar protein sorting 13 homolog B; plus strand). Cytogenetic location: 8q22.2.
Variant type: Deletion.
Coding change: c.3194_3198del on transcript NM_152564.5 (MANE Select); coding-DNA positions 3194 to 3198, 5 bases deleted (AGCAT; older notation c.3194_3198delAGCAT).
Protein change: p.Lys1065fs; shifts the reading frame from lysine 1065.
Molecular consequence: frameshift variant.
Genome position (GRCh38, 1-based): chr8:99,431,648-99,431,652, AGCAT deleted. VCF-style (leftmost placement, unchanged base first): chr8-99431647-AAGCAT-A. GRCh37 (hg19) VCF-style: chr8-100443875-AAGCAT-A.
Other names: c.3194_3198del, p.Lys1065fs (NM_017890.5); short protein forms K1065fs.
Identifiers: ClinVar variation 1075459 (VCV001075459.7), dbSNP rs2133412472, ClinGen allele CA2499219473.